The following is an entry in ClinVar:

ClinVar aggregate classification (germline): Uncertain significance (1 of 4 stars; one submission).

Conditions:
Leber congenital amaurosis 3 (LCA3). Also called: SPATA7-Related Retinitis Pigmentosa. Identifiers: MedGen C1858677, MONDO:0011415, OMIM 604232.

Allele frequency attached by ClinVar (database versions not stated): gnomAD exomes 0.00001.
gnomAD v4.1: 6 of 1,611,742 alleles (0.00037%); highest among the groups gnomAD compares: Non-Finnish European, 0.00042%; no homozygotes.

Submission:

Labcorp Genetics (formerly Invitae), Labcorp
Classification: Uncertain significance for Leber congenital amaurosis 3. Last evaluated: 2022-08-10. Review status: criteria provided, single submitter. Criteria: Invitae Variant Classification Sherloc (09022015). Collection method: clinical testing. Allele origin: germline.
Comment: This variant is not present in population databases (gnomAD no frequency). This sequence change replaces aspartic acid, which is acidic and polar, with glycine, which is neutral and non-polar, at codon 376 of the SPATA7 protein (p.Asp376Gly). This variant has not been reported in the literature in individuals affected with SPATA7-related conditions. In summary, the available evidence is currently insufficient to determine the role of this variant in disease. Therefore, it has been classified as a Variant of Uncertain Significance. Algorithms developed to predict the effect of sequence changes on RNA splicing suggest that this variant may disrupt the consensus splice site. Algorithms developed to predict the effect of missense changes on protein structure and function are either unavailable or do not agree on the potential impact of this missense change (SIFT: "Tolerated"; PolyPhen-2: "Possibly Damaging"; Align-GVGD: "Class C0"). ClinVar contains an entry for this variant (Variation ID: 1014573).

NM_018418.5(SPATA7):c.1127A>G (p.Asp376Gly)

Gene: SPATA7 (spermatogenesis associated 7; plus strand). Cytogenetic location: 14q31.3.
Variant type: single nucleotide variant.
Coding change: c.1127A>G on transcript NM_018418.5 (MANE Select); coding-DNA position 1127, A replaced by G.
Protein change: p.Asp376Gly; replaces aspartic acid 376 with glycine.
Molecular consequence: missense variant.
Genome position (GRCh38, 1-based): chr14:88,433,179, A>G. VCF-style: chr14-88433179-A-G. GRCh37 (hg19) VCF-style: chr14-88899523-A-G.
Other names: c.1031A>G, p.Asp344Gly (NM_001040428.4); short protein forms D344G, D376G.
Identifiers: ClinVar variation 1014573 (VCV001014573.8), dbSNP rs2076985537, ClinGen allele CA390568789.
Genomic context (GRCh38, chr14:88,433,179, plus strand): 5'-TGCCTTCCTTTTACAGTGAAGAAGAACTGTTGTATCTGAGTTTCATTGAAGATGTAACAG[A>G]TGAAATTTTGAAACTTGGTTTATTTTCAAACAGGTTAGTTTTTTTAATGGTGTTATGTTA-3'
Protein context (NP_060888.2, residues 366-386): LYLSFIEDVT[Asp376Gly]EILKLGLFSN